The following is an entry in ClinVar:

NC_000007.13:g.(?_158649427)_(158738470_?)dup

Gene: DYNC2I1 (dynein 2 intermediate chain 1; plus strand). Cytogenetic location: 7q36.3.
Variant type: Duplication.
Identifiers: ClinVar variation 1680622 (VCV001680622.4).

ClinVar aggregate classification (germline): Uncertain significance (1 of 4 stars; one submission).

Conditions:
Short-rib thoracic dysplasia 8 with or without polydactyly (SRTD8). Also called: SHORT-RIB THORACIC DYSPLASIA 8 WITH POLYDACTYLY. Identifiers: Orphanet 93271, MedGen C3809691, MONDO:0014214, OMIM 615503.

Submission:

Labcorp Genetics (formerly Invitae), Labcorp
Classification: Uncertain significance for Short-rib thoracic dysplasia 8 with or without polydactyly. Last evaluated: 2022-01-27. Review status: criteria provided, single submitter. Criteria: Invitae Variant Classification Sherloc (09022015). Collection method: clinical testing. Allele origin: germline.
Comment: A copy number gain of the genomic region encompassing the full coding sequence of the WDR60 gene has been identified. The boundaries of this event are unknown as they extend beyond the assayed region for this gene and therefore may encompass additional genes. As the precise location of this event is unknown, it may be in tandem or it may be located elsewhere in the genome. This variant has not been reported in the literature in individuals affected with WDR60-related conditions. In summary, the available evidence is currently insufficient to determine the role of this variant in disease. Therefore, it has been classified as a Variant of Uncertain Significance.